The following is an entry in ClinVar:

ClinVar aggregate classification (germline): Benign. Review status: criteria provided, multiple submitters, no conflicts (2 of 4 stars). 4 submissions from 4 submitters: Benign (3). 1 of the submissions does not count toward it. Last evaluated 2024-03-05.

Conditions:
NBEA-related disorder. Also called: NBEA-related condition.

Allele frequency attached by ClinVar (database versions not stated): ESP Exome Variant Server 0.00623; TOPMed 0.00744; 1000 Genomes Project 0.00499; gnomAD 0.00699; ExAC 0.00219; 1000 Genomes Project 30x 0.00562.
gnomAD v4.1: 1,988 of 1,608,462 alleles (0.12%); highest among the groups gnomAD compares: African/African-American, 2.3%; 17 homozygotes.

Submissions (4):

Mayo Clinic Laboratories, Mayo Clinic
Classification: Benign. Last evaluated: 2024-03-05. Review status: criteria provided, single submitter. Criteria: ACMG Guidelines, 2015. Collection method: clinical testing. Allele origin: germline. Observed: 4 variant alleles.
Comment: BS1, BS2, BP4, BP7

Labcorp Genetics (formerly Invitae), Labcorp
Classification: Benign. Last evaluated: 2019-12-31. Review status: criteria provided, single submitter. Criteria: Invitae Variant Classification Sherloc (09022015). Collection method: clinical testing. Allele origin: germline.

Breakthrough Genomics
Classification: Benign. Review status: criteria provided, single submitter. Criteria: ACMG Guidelines, 2015. Collection method: not provided. Allele origin: germline. Inheritance: Autosomal dominant inheritance. Affected: yes.

PreventionGenetics, part of Exact Sciences
Classification: Benign for NBEA-related condition. Last evaluated: 2019-10-01. Review status: no assertion criteria provided. Collection method: clinical testing. Allele origin: germline. Not counted in ClinVar's aggregate classification.
Comment: This variant is classified as benign based on ACMG/AMP sequence variant interpretation guidelines (Richards et al. 2015 PMID: 25741868, with internal and published modifications).

NM_001385012.1(NBEA):c.5940T>C (p.Arg1980=)

Gene: NBEA (neurobeachin; plus strand). Cytogenetic location: 13q13.3.
Variant type: single nucleotide variant.
Coding change: c.5940T>C on transcript NM_001385012.1 (MANE Select); coding-DNA position 5940, T replaced by C.
Protein change: p.Arg1980=; no amino-acid change (arginine 1980 retained).
Molecular consequence: synonymous variant.
Genome position (GRCh38, 1-based): chr13:35,349,144, T>C. VCF-style: chr13-35349144-T-C. GRCh37 (hg19) VCF-style: chr13-35923281-T-C.
Other names: p.Arg1980=; c.5931T>C, p.Arg1977= (NM_001379245.1); c.5940T>C, p.Arg1980= (NM_015678.5).
Identifiers: ClinVar variation 714577 (VCV000714577.8), dbSNP rs111297138, ClinGen allele CA6947200.
Genomic context (GRCh38, chr13:35,349,144, plus strand): 5'-TTCTAAAGGTATTTTTCTTTTTAGATTACTGTGCCATGCTATGAAGGACCATATAGTCCG[T>C]GTTGCAAATGAAGCTGAGTTTATTTTGAACAGACAAAGAGCCGAGGATGTACATAAACAT-3'
Protein context (NP_001371941.1, residues 1970-1990): LCHAMKDHIV[Arg1980=]VANEAEFILN